The following is an entry in ClinVar:

NM_001142864.4(PIEZO1):c.2865G>A (p.Gln955=)

Genes: HSALR1 (HSP90AB1 associated lncRNA 1; plus strand), PIEZO1 (piezo type mechanosensitive ion channel component 1 (Er blood group); minus strand). Cytogenetic location: 16q24.3.
Variant type: single nucleotide variant.
Coding change: c.2865G>A on transcript NM_001142864.4 (MANE Select); coding-DNA position 2865, G replaced by A.
Protein change: p.Gln955=; no amino-acid change (glutamine 955 retained).
Molecular consequence: synonymous variant.
Genome position (GRCh38, 1-based): chr16:88,732,461, C>T on the plus strand (G>A on the coding strand, the complement: PIEZO1 is on the minus strand). VCF-style: chr16-88732461-C-T. GRCh37 (hg19) VCF-style: chr16-88798869-C-T.
Other names: p.Gln955=; c.2865G>A, p.Gln955= (LRG_1137t1); c.2865G>A (NM_001142864.3).
Identifiers: ClinVar variation 618273 (VCV000618273.33), dbSNP rs35597347, ClinGen allele CA8232684.

ClinVar aggregate classification (germline): Benign/Likely benign. Review status: criteria provided, multiple submitters, no conflicts (2 of 4 stars). 11 submissions from 10 submitters: Benign (6); Likely benign (2). 3 of the submissions do not count toward it. Last evaluated 2025-12-25.

Conditions:
Lymphatic malformation 6 (LMPHM6). Also called: GENERALIZED LYMPHATIC DYSPLASIA OF FOTIOU; Lymphedema, hereditary, III; PIEZO1-related generalized lymphatic dysplasia with non-immune hydrops fetalis. Identifiers: Orphanet 568062, MedGen C4225184, MONDO:0014797, OMIM 616843.
Dehydrated hereditary stomatocytosis with or without pseudohyperkalemia and/or perinatal edema (DHS1). Also called: Dehydrated hereditary stomatocytosis 1 with or without pseudohyperkalemia and/or perinatal edema; PSEUDOHYPERKALEMIA EDINBURGH; DEHYDRATED HEREDITARY STOMATOCYTOSIS AND PSEUDOHYPERKALEMIA; DEHYDRATED HEREDITARY STOMATOCYTOSIS WITH PSEUDOHYPERKALEMIA AND PERINATAL EDEMA; Pseudohyperkalemia, familial, 1, due to red cell leak. Identifiers: Orphanet 3202, MedGen C4551512, MONDO:0008689, OMIM 194380.
PIEZO1-related disorder. Also called: PIEZO1-Related Disorders; PIEZO1-related condition.

Allele frequency attached by ClinVar (database versions not stated): gnomAD 0.00444 and 0.00467; TOPMed 0.00476; 1000 Genomes Project 0.00479; 1000 Genomes Project 30x 0.00547; gnomAD exomes 0.00757; ExAC 0.01201.
gnomAD v4.1: 9,953 of 1,549,490 alleles (0.64%); highest among the groups gnomAD compares: Middle Eastern, 2%; 56 homozygotes.

Submissions (11):

Labcorp Genetics (formerly Invitae), Labcorp
Classification: Benign. Last evaluated: 2025-12-25. Review status: criteria provided, single submitter. Criteria: Invitae Variant Classification Sherloc (09022015). Collection method: clinical testing. Allele origin: germline.

Mayo Clinic Laboratories, Mayo Clinic
Classification: Likely benign. Last evaluated: 2025-11-24. Review status: criteria provided, single submitter. Criteria: ACMG Guidelines, 2015. Collection method: clinical testing. Allele origin: germline. Observed: 27 variant alleles.

ARUP Laboratories, Molecular Genetics and Genomics, ARUP Laboratories
Classification: Benign. Last evaluated: 2025-06-04. Review status: criteria provided, single submitter. Criteria: ARUP Molecular Germline Variant Investigation Process 2024. Collection method: clinical testing. Allele origin: germline.

Johns Hopkins Genomics, Johns Hopkins University
Classification: Benign for Dehydrated hereditary stomatocytosis with or without pseudohyperkalemia and/or perinatal edema. Last evaluated: 2024-05-31. Review status: criteria provided, single submitter. Criteria: ACMG Guidelines, 2015. Collection method: clinical testing. Allele origin: germline.
Comment: BS1, BS2

Fulgent Genetics
Classification: Likely benign for Dehydrated hereditary stomatocytosis with or without pseudohyperkalemia and/or perinatal edema; Lymphatic malformation 6. Last evaluated: 2022-01-06. Review status: criteria provided, single submitter. Criteria: ACMG Guidelines, 2015. Collection method: clinical testing. Allele origin: unknown.

Genome-Nilou Lab
Classification: Benign for Dehydrated hereditary stomatocytosis with or without pseudohyperkalemia and/or perinatal edema. Last evaluated: 2021-09-05. Review status: criteria provided, single submitter. Criteria: ACMG Guidelines, 2015. Collection method: clinical testing. Allele origin: germline. Affected: no.

Genome-Nilou Lab
Classification: Benign for Lymphatic malformation 6. Last evaluated: 2021-09-05. Review status: criteria provided, single submitter. Criteria: ACMG Guidelines, 2015. Collection method: clinical testing. Allele origin: germline. Affected: no.

Breakthrough Genomics
Classification: Benign. Review status: criteria provided, single submitter. Criteria: ACMG Guidelines, 2015. Collection method: not provided. Allele origin: germline. Inheritance: Autosomal recessive inheritance. Affected: yes.

PreventionGenetics, part of Exact Sciences
Classification: Benign for PIEZO1-related condition. Last evaluated: 2019-04-12. Review status: no assertion criteria provided. Collection method: clinical testing. Allele origin: germline. Not counted in ClinVar's aggregate classification.
Comment: This variant is classified as benign based on ACMG/AMP sequence variant interpretation guidelines (Richards et al. 2015 PMID: 25741868, with internal and published modifications).

Clinical Genetics, Academic Medical Center
Classification: Likely benign. Review status: no assertion criteria provided. Collection method: clinical testing. Allele origin: germline. Affected: yes. Study: VKGL Data-share Consensus. Not counted in ClinVar's aggregate classification.

Laboratory of Diagnostic Genome Analysis, Leiden University Medical Center (LUMC)
Classification: Likely benign. Review status: no assertion criteria provided. Collection method: clinical testing. Allele origin: germline. Affected: yes. Study: VKGL Data-share Consensus. Not counted in ClinVar's aggregate classification.